The following is an entry in ClinVar:

NM_001369.3(DNAH5):c.3076G>C (p.Ala1026Pro)

Genes: DNAH5 (dynein axonemal heavy chain 5; minus strand), DNAH5-AS1 (DNAH5 antisense RNA 1; plus strand). Cytogenetic location: 5p15.2.
Variant type: single nucleotide variant.
Coding change: c.3076G>C on transcript NM_001369.3 (MANE Select); coding-DNA position 3076, G replaced by C.
Protein change: p.Ala1026Pro; replaces alanine 1026 with proline.
Molecular consequence: missense variant.
Genome position (GRCh38, 1-based): chr5:13,883,002, C>G on the plus strand (G>C on the coding strand, the complement: DNAH5 is on the minus strand). VCF-style: chr5-13883002-C-G. GRCh37 (hg19) VCF-style: chr5-13883111-C-G.
Other names: short protein forms A1026P.
Identifiers: ClinVar variation 3252499 (VCV003252499.1), dbSNP rs2547031231.

ClinVar aggregate classification (germline): Uncertain significance (1 of 4 stars; one submission).

Submission:

GeneDx
Classification: Uncertain significance. Last evaluated: 2023-12-06. Review status: criteria provided, single submitter. Criteria: GeneDx Variant Classification Process June 2021. Collection method: clinical testing. Allele origin: germline. Affected: yes.
Comment: Not observed at significant frequency in large population cohorts (gnomAD); In silico analysis supports that this missense variant does not alter protein structure/function; Has not been previously published as pathogenic or benign to our knowledge